The following is an entry in ClinVar:

ClinVar aggregate classification (germline): Likely pathogenic (1 of 4 stars; one submission).

Conditions:
Hereditary cancer-predisposing syndrome. Also called: Neoplastic Syndromes, Hereditary; Tumor predisposition; Hereditary Cancer Syndrome; Hereditary neoplastic syndrome. Identifiers: Orphanet 140162, MedGen C0027672, MeSH D009386, MONDO:0015356.

Submission:

Ambry Genetics
Classification: Likely pathogenic for Hereditary cancer-predisposing syndrome. Last evaluated: 2022-04-22. Review status: criteria provided, single submitter. Criteria: Ambry Variant Classification Scheme 2023. Collection method: clinical testing. Allele origin: germline.
Comment: The c.682-3C>G intronic variant results from a C to G substitution 3 nucleotides before coding exon 8 in the BRCA2 gene. This nucleotide position is well conserved in available vertebrate species. RNA studies have demonstrated that this alteration results in abnormal splicing in the set of samples tested (Ambry internal data). In silico splice site analysis predicts that this alteration will weaken the native splice acceptor site. This variant is considered to be rare based on population cohorts in the Genome Aggregation Database (gnomAD). Based on the majority of available evidence to date, this variant is likely to be pathogenic.

NM_000059.4(BRCA2):c.682-3C>G

Gene: BRCA2 (BRCA2 DNA repair associated; plus strand). Cytogenetic location: 13q13.1.
Variant type: single nucleotide variant.
Coding change: c.682-3C>G on transcript NM_000059.4 (MANE Select); 3 bases into the intron before coding-DNA position 682, C replaced by G.
Molecular consequence: intron variant.
Genome position (GRCh38, 1-based): chr13:32,330,916, C>G. VCF-style: chr13-32330916-C-G. GRCh37 (hg19) VCF-style: chr13-32905053-C-G.
Identifiers: ClinVar variation 1755648 (VCV001755648.2), dbSNP rs1244178555, ClinGen allele CA2580087064.
Genomic context (GRCh38, chr13:32,330,916, plus strand): 5'-GACTACTACTATATGTGCATTGAGAGTTTTTATACTAGTGATTTTAAACTATAATTTTTG[C>G]AGAATGTGAAAAGCTATTTTTCCAATCATGATGAAAGTCTGAAGAAAAATGATAGATTTA-3'